The following is an entry in ClinVar:

NM_001048174.2(MUTYH):c.1392+228C>T

Gene: MUTYH (mutY DNA glycosylase; minus strand). Cytogenetic location: 1p34.1.
Variant type: single nucleotide variant.
Coding change: c.1392+228C>T on transcript NM_001048174.2 (MANE Select); 228 bases into the intron after coding-DNA position 1392, C replaced by T.
Molecular consequence: intron variant.
Genome position (GRCh38, 1-based): chr1:45,330,954, G>A on the plus strand (C>T on the coding strand, the complement: MUTYH is on the minus strand). VCF-style: chr1-45330954-G-A. GRCh37 (hg19) VCF-style: chr1-45796626-G-A.
Other names: c.1047+228C>T (NM_001350651.2, NM_001350650.2); c.1116+228C>T (NM_001293192.2, NM_001293196.2); c.1392+228C>T (NM_001048171.2, NM_001048173.2, NM_001293195.2); c.1437+228C>T (NM_001293190.2); c.1467+228C>T (NM_012222.3); c.1476+228C>T (NM_001128425.2); c.1395+228C>T (NM_001048172.2); c.1425+228C>T (NM_001293191.2).
Identifiers: ClinVar variation 679763 (VCV000679763.1), dbSNP rs3219491, ClinGen allele CA10670680.

ClinVar aggregate classification (germline): Likely benign (1 of 4 stars; one submission).

Allele frequency attached by ClinVar (database versions not stated): 1000 Genomes Project 30x 0.00109; 1000 Genomes Project 0.00140; TOPMed 0.00304; gnomAD 0.00367 and 0.00373.
gnomAD v4.1: 552 of 151,910 alleles (0.36%); highest among the groups gnomAD compares: Middle Eastern, 0.68%; 4 homozygotes.

Submission:

GeneDx
Classification: Likely benign. Last evaluated: 2018-06-18. Review status: criteria provided, single submitter. Criteria: GeneDx Variant Classification (06012015). Collection method: clinical testing. Allele origin: germline. Affected: yes.
Comment: This variant is considered likely benign or benign based on one or more of the following criteria: it is a conservative change, it occurs at a poorly conserved position in the protein, it is predicted to be benign by multiple in silico algorithms, and/or has population frequency not consistent with disease.